The following is an entry in ClinVar:

ClinVar aggregate classification (germline): Pathogenic. Review status: criteria provided, multiple submitters, no conflicts (2 of 4 stars). 2 submissions from 2 submitters: Pathogenic (2). Last evaluated 2022-12-30.
ClinVar aggregate classification (oncogenicity): Likely oncogenic (1 of 4 stars; one submission).

Conditions:
Neurofibromatosis, type 1 (NF1). Also called: VON RECKLINGHAUSEN DISEASE; Neurofibromatosis, type I; NEUROFIBROMATOSIS, TYPE I, SOMATIC; Peripheral type neurofibromatosis. Identifiers: Orphanet 636, MedGen C0027831, MONDO:0018975, OMIM 162200. Disease mechanism: loss of function.
NF1-related disorder. Also called: NF1-related condition. Identifiers: MedGen CN379171.
Neoplasm. Also called: Neoplasms; Neoplasm (disease); tumor. Identifiers: MedGen C0027651, MeSH D009369, MONDO:0005070, HP:0002664.

Submissions (3):

Center for Genomic Medicine, Rigshospitalet, Copenhagen University Hospital
Classification: Likely oncogenic for Neoplasm. Last evaluated: 2026-10-16. Review status: criteria provided, single submitter. Criteria: ClinGen/CGC/VICC Guidelines for Oncogenicity, 2022. Collection method: clinical testing. Allele origin: somatic. Affected: yes.

Blueprint Genetics
Classification: Pathogenic for NF1-related disorders. Last evaluated: 2022-12-30. Review status: criteria provided, single submitter. Criteria: ACMG Guidelines, 2015. Collection method: clinical testing. Allele origin: germline. Affected: yes. Observed: 1 variant allele.

Labcorp Genetics (formerly Invitae), Labcorp
Classification: Pathogenic for Neurofibromatosis, type 1. Last evaluated: 2020-02-18. Review status: criteria provided, single submitter. Criteria: Invitae Variant Classification Sherloc (09022015). Collection method: clinical testing. Allele origin: germline.
Comment: For these reasons, this variant has been classified as Pathogenic. Donor and acceptor splice site variants typically lead to a loss of protein function (PMID: 16199547), and loss-of-function variants in NF1 are known to be pathogenic (PMID: 10712197, 23913538). Experimental studies have shown that disruption of this splice site affects mRNA splicing (PMID: 17311297). Disruption of this splice site has been observed in individual(s) with clinical features of neurofibromatosis type 1 (PMID: 17311297, 30308447, Invitae). ClinVar contains an entry for this variant (Variation ID: 527457). This variant is not present in population databases (ExAC no frequency). This sequence change affects a donor splice site in intron 27 of the NF1 gene. It is expected to disrupt RNA splicing and likely results in an absent or disrupted protein product.

Literature cited by the submitters: PubMed 16199547 (cited by Labcorp Genetics (formerly Invitae), Labcorp); PubMed 10712197 (cited by Labcorp Genetics (formerly Invitae), Labcorp); PubMed 23913538 (cited by Labcorp Genetics (formerly Invitae), Labcorp); PubMed 17311297 (cited by Labcorp Genetics (formerly Invitae), Labcorp); PubMed 30308447 (cited by Labcorp Genetics (formerly Invitae), Labcorp).

NM_001042492.3(NF1):c.3708+1G>T

Gene: NF1 (neurofibromin 1; plus strand). Cytogenetic location: 17q11.2.
Variant type: single nucleotide variant.
Coding change: c.3708+1G>T on transcript NM_001042492.3 (MANE Select); the canonical splice donor site of the intron after coding-DNA position 3708, G replaced by T.
Molecular consequence: splice donor variant.
Genome position (GRCh38, 1-based): chr17:31,233,214, G>T. VCF-style: chr17-31233214-G-T. GRCh37 (hg19) VCF-style: chr17-29560232-G-T.
Other names: c.3708+1G>T (NM_000267.4).
Identifiers: ClinVar variation 527457 (VCV000527457.8), dbSNP rs1420779915, ClinGen allele CA398990783.
Genomic context (GRCh38, chr17:31,233,214, plus strand): 5'-GATCAAGGAGAACTCCCTATAGCGATGGCTCTGGCCAATGTGGTTCCTTGTTCTCAGTGG[G>T]TAAGTGATTAGAGTAAGCGGGGAAGAAAAGTGCCTGGCACATAGCAAATCCTTCAGAATA-3'